The following is an entry in ClinVar:

NM_000083.3(CLCN1):c.1943T>C (p.Leu648Pro)

Genes: CLCN1 (chloride voltage-gated channel 1; plus strand), LOC123956257 (Sharpr-MPRA regulatory region 4117; plus strand). Cytogenetic location: 7q34.
Variant type: single nucleotide variant.
Coding change: c.1943T>C on transcript NM_000083.3 (MANE Select); coding-DNA position 1943, T replaced by C.
Protein change: p.Leu648Pro; replaces leucine 648 with proline.
Molecular consequence: missense variant. On other transcripts: non-coding transcript variant (1).
Genome position (GRCh38, 1-based): chr7:143,345,533, T>C. VCF-style: chr7-143345533-T-C. GRCh37 (hg19) VCF-style: chr7-143042626-T-C.
Other names: c.1943T>C (NM_000083.2); short protein forms L648P.
Identifiers: ClinVar variation 2938092 (VCV002938092.4), dbSNP rs142994455, ClinGen allele CA168226427.

ClinVar aggregate classification (germline): Conflicting classifications of pathogenicity. Review status: criteria provided, conflicting classifications (1 of 4 stars). 2 submissions from 2 submitters: Pathogenic (1); Uncertain significance (1). Last evaluated 2023-12-13.

Conditions:
Congenital myotonia, autosomal dominant form (THD). Also called: THOMSEN DISEASE; Myotonia congenita autosomal dominant. Identifiers: Orphanet 614, MedGen C2936781, MONDO:0008055, OMIM 160800.
Congenital myotonia, autosomal recessive form. Also called: BECKER DISEASE; Becker Generalized Myotonia; myotonia congenita, autosomal recessive. Identifiers: Orphanet 614, MedGen C0751360, MONDO:0009715, OMIM 255700.

Allele frequency attached by ClinVar (database versions not stated): ESP Exome Variant Server 0.00008.

Submissions (2):

GeneDx
Classification: Uncertain significance. Last evaluated: 2023-12-13. Review status: criteria provided, single submitter. Criteria: GeneDx Variant Classification Process June 2021. Collection method: clinical testing. Allele origin: germline. Affected: yes.
Comment: Not observed at significant frequency in large population cohorts (gnomAD); In silico analysis supports that this missense variant has a deleterious effect on protein structure/function; This variant is associated with the following publications: (PMID: 33573884)

Labcorp Genetics (formerly Invitae), Labcorp
Classification: Pathogenic for Congenital myotonia, autosomal recessive form; Congenital myotonia, autosomal dominant form. Last evaluated: 2023-09-12. Review status: criteria provided, single submitter. Criteria: Invitae Variant Classification Sherloc (09022015). Collection method: clinical testing. Allele origin: germline.
Comment: For these reasons, this variant has been classified as Pathogenic. Advanced modeling of protein sequence and biophysical properties (such as structural, functional, and spatial information, amino acid conservation, physicochemical variation, residue mobility, and thermodynamic stability) performed at Invitae indicates that this missense variant is expected to disrupt CLCN1 protein function. This sequence change replaces leucine, which is neutral and non-polar, with proline, which is neutral and non-polar, at codon 648 of the CLCN1 protein (p.Leu648Pro). This variant is not present in population databases (gnomAD no frequency). This missense change has been observed in individuals with autosomal recessive myotonia (PMID: 33573884).

Literature cited by the submitters: PubMed 33573884 (cited by Labcorp Genetics (formerly Invitae), Labcorp).